The following is an entry in ClinVar:

NM_020975.6(RET):c.2601G>T (p.Glu867Asp)

Gene: RET (ret proto-oncogene; plus strand). Cytogenetic location: 10q11.21.
Variant type: single nucleotide variant.
Coding change: c.2601G>T on transcript NM_020975.6 (MANE Select); coding-DNA position 2601, G replaced by T.
Protein change: p.Glu867Asp; replaces glutamic acid 867 with aspartic acid.
Molecular consequence: missense variant.
Genome position (GRCh38, 1-based): chr10:43,119,739, G>T. VCF-style: chr10-43119739-G-T. GRCh37 (hg19) VCF-style: chr10-43615187-G-T.
Other names: c.2601G>T, p.Glu867Asp (NM_001406759.1, NM_001406760.1, NM_020629.2 and 4 more transcripts); c.2472G>T, p.Glu824Asp (NM_001406761.1, NM_001406762.1, NM_001406764.1); c.2466G>T, p.Glu822Asp (NM_001406763.1, NM_001406765.1); c.2313G>T, p.Glu771Asp (NM_001406766.1, NM_001406767.1, NM_001406770.1); c.2337G>T, p.Glu779Asp (NM_001406768.1); c.2205G>T, p.Glu735Asp (NM_001406769.1, NM_001406772.1); c.2163G>T, p.Glu721Asp (NM_001406771.1, NM_001406773.1); c.2076G>T, p.Glu692Asp (NM_001406774.1); and 10 more; short protein forms E867D, E613D, E384D, E525D, E568D, E625D, E771D, E537D.
Identifiers: ClinVar variation 216719 (VCV000216719.22), dbSNP rs141459368, ClinGen allele CA039848.
Genomic context (GRCh38, chr10:43,119,739, plus strand): 5'-CATGGGCGACCTCATCTCATTTGCCTGGCAGATCTCACAGGGGATGCAGTATCTGGCCGA[G>T]ATGAAGGTGCGTGCATATGGCTCTGCACCCAGCCAGCCCCGGCCAGGCCACACCCTGACC-3'
Protein context (NP_066124.1, residues 857-877): QISQGMQYLA[Glu867Asp]MKLVHRDLAA

ClinVar aggregate classification (germline): Conflicting classifications of pathogenicity. Review status: criteria provided, conflicting classifications (1 of 4 stars). 8 submissions from 8 submitters: Uncertain significance (2); Likely benign (5). 1 of the submissions does not count toward it. Last evaluated 2026-01-29.

Conditions:
RET-related disorder. Also called: RET-related condition; RET-related disease; RET-related disorders.
Hereditary cancer-predisposing syndrome. Also called: Hereditary Cancer Syndrome; Hereditary neoplastic syndrome; Neoplastic Syndromes, Hereditary; Tumor predisposition. Identifiers: Orphanet 140162, MedGen C0027672, MeSH D009386, MONDO:0015356.
Multiple endocrine neoplasia, type 2 (MEN2). Identifiers: Orphanet 653, MedGen C4048306, MONDO:0019003. Disease mechanism: gain of function.
Multiple endocrine neoplasia type 2A. Also called: Multiple Endocrine Neoplasia Type 2A (MEN2A); MULTIPLE ENDOCRINE NEOPLASIA, TYPE IIA; PTC SYNDROME; SIPPLE SYNDROME; MEN 2A; MEN-2A syndrome. Identifiers: Orphanet 247698, Orphanet 653, MedGen C0025268, MeSH D018813, MONDO:0008234, OMIM 171400.

Allele frequency attached by ClinVar (database versions not stated): gnomAD exomes 0.00002 and 0.00006; ExAC 0.00006; TOPMed 0.00010; gnomAD 0.00011; 1000 Genomes Project 0.00020; ESP Exome Variant Server 0.00023; 1000 Genomes Project 30x 0.00031.
gnomAD v4.1: 49 of 1,613,180 alleles (0.003%); highest among the groups gnomAD compares: African/African-American, 0.057%; no homozygotes.

Submissions (8):

Labcorp Genetics (formerly Invitae), Labcorp
Classification: Likely benign for Multiple endocrine neoplasia, type 2. Last evaluated: 2026-01-29. Review status: criteria provided, single submitter. Criteria: Invitae Variant Classification Sherloc (09022015). Collection method: clinical testing. Allele origin: germline.

Myriad Genetics, Inc.
Classification: Likely benign for Multiple endocrine neoplasia type 2A. Last evaluated: 2024-08-13. Review status: criteria provided, single submitter. Criteria: Myriad Autosomal Dominant, Autosomal Recessive and X-Linked Classification Criteria (2023). Collection method: clinical testing. Allele origin: unknown.
Comment: This variant is considered likely benign. This variant has been observed at a population frequency that is significantly greater than expected given the associated disease prevalence and penetrance.

Color Diagnostics, LLC DBA Color Health
Classification: Uncertain significance for Multiple endocrine neoplasia, type 2. Last evaluated: 2024-04-25. Review status: criteria provided, single submitter. Criteria: ACMG Guidelines, 2015. Collection method: clinical testing. Allele origin: germline.
Comment: This missense variant replaces glutamic acid with aspartic acid at codon 867 of the RET protein. Computational prediction is inconclusive regarding the impact of this variant on protein structure and function. To our knowledge, functional studies have not been reported for this variant. This variant has not been reported in individuals affected with RET-related disorders in the literature. This variant has been identified in 20/281200 chromosomes in the general population by the Genome Aggregation Database (gnomAD). The available evidence is insufficient to determine the role of this variant in disease conclusively. Therefore, this variant is classified as a Variant of Uncertain Significance.

Women's Health and Genetics/Laboratory Corporation of America, LabCorp
Classification: Likely benign. Last evaluated: 2024-01-15. Review status: criteria provided, single submitter. Criteria: LabCorp Variant Classification Summary - May 2015. Collection method: clinical testing. Allele origin: germline.
Comment: Variant summary: RET c.2601G>T (p.Glu867Asp) results in a conservative amino acid change located in the Protein kinase domain (IPR000719) of the encoded protein sequence. Three of five in-silico tools predict a benign effect of the variant on protein function. The variant allele was found at a frequency of 5.6e-05 in 249872 control chromosomes, predominantly at a frequency of 0.00086 within the African or African-American subpopulation in the gnomAD database. The observed variant frequency within African or African-American control individuals in the gnomAD database is approximately 23 fold of the estimated maximal expected allele frequency for a pathogenic variant in RET causing Multiple Endocrine Neoplasia Type 2 phenotype (3.7e-05), strongly suggesting that the variant is a benign polymorphism found primarily in populations of African or African-American origin. To our knowledge, no occurrence of c.2601G>T in individuals affected with Multiple Endocrine Neoplasia Type 2 and no experimental evidence demonstrating its impact on protein function have been reported. ClinVar contains an entry for this variant (Variation ID: 216719). Based on the evidence outlined above, the variant was classified as likely benign.

GeneDx
Classification: Uncertain significance. Last evaluated: 2022-10-31. Review status: criteria provided, single submitter. Criteria: GeneDx Variant Classification Process June 2021. Collection method: clinical testing. Allele origin: germline. Affected: yes.
Comment: In silico analysis supports that this missense variant does not alter protein structure/function; Has not been previously published as pathogenic or benign to our knowledge; This variant is associated with the following publications: (PMID: 14633923, 26934580)

Sema4
Classification: Likely benign for Hereditary cancer-predisposing syndrome. Last evaluated: 2021-04-01. Review status: criteria provided, single submitter. Criteria: Sema4 Curation Guidelines. Collection method: curation. Allele origin: germline.

Ambry Genetics
Classification: Likely benign for Hereditary cancer-predisposing syndrome. Last evaluated: 2020-07-07. Review status: criteria provided, single submitter. Criteria: Ambry Variant Classification Scheme 2023. Collection method: clinical testing. Allele origin: germline.

PreventionGenetics, part of Exact Sciences
Classification: Likely benign for RET-related condition. Last evaluated: 2022-04-08. Review status: no assertion criteria provided. Collection method: clinical testing. Allele origin: germline. Not counted in ClinVar's aggregate classification.
Comment: This variant is classified as likely benign based on ACMG/AMP sequence variant interpretation guidelines (Richards et al. 2015 PMID: 25741868, with internal and published modifications).